The following is an entry in ClinVar:

NC_000003.12:g.(?_33097001)_(33097095_?)del

Gene: GLB1 (galactosidase beta 1; minus strand). Cytogenetic location: 3p22.3.
Variant type: Deletion.
Identifiers: ClinVar variation 832564 (VCV000832564.6).

ClinVar aggregate classification (germline): Pathogenic (1 of 4 stars; one submission).

Conditions:
Mucopolysaccharidosis, MPS-IV-B (MPS4B). Also called: Mucopolysaccharidosis type IV B; Mucopolysaccharidosis Type IVB; MORQUIO SYNDROME B; Mucopolysaccharidosis type IVB (Morquio); MPS IVB; Mucopolysaccharidosis Type IVB (Morquio B Disease). Identifiers: Orphanet 309310, Orphanet 582, MedGen C0086652, MONDO:0009660, OMIM 253010.
GM1 gangliosidosis. Identifiers: Orphanet 354, MedGen C0085131, MONDO:0018149.

Submission:

Labcorp Genetics (formerly Invitae), Labcorp
Classification: Pathogenic for Mucopolysaccharidosis, MPS-IV-B; GM1 gangliosidosis. Last evaluated: 2022-04-25. Review status: criteria provided, single submitter. Criteria: Invitae Variant Classification Sherloc (09022015). Collection method: clinical testing. Allele origin: germline.
Comment: This variant is a gross deletion of the genomic region encompassing exon(s) 1 of the GLB1 gene, which includes the initiator codon. This deletion extends beyond the assayed region for this gene and therefore may encompass additional genes. It is expected to result in an absent or disrupted protein product. Loss-of-function variants in GLB1 are known to be pathogenic (PMID: 18524657). This variant has not been reported in the literature in individuals affected with GLB1-related conditions. For these reasons, this variant has been classified as Pathogenic.

Literature cited by the submitters: PubMed 18524657.